The following is an entry in ClinVar:

NM_031418.4(ANO3):c.1050C>G (p.Ser350Arg)

Gene: ANO3 (anoctamin 3; plus strand). Cytogenetic location: 11p14.2.
Variant type: single nucleotide variant.
Coding change: c.1050C>G on transcript NM_031418.4 (MANE Select); coding-DNA position 1050, C replaced by G.
Protein change: p.Ser350Arg; replaces serine 350 with arginine.
Molecular consequence: missense variant.
Genome position (GRCh38, 1-based): chr11:26,541,964, C>G. VCF-style: chr11-26541964-C-G. GRCh37 (hg19) VCF-style: chr11-26563511-C-G.
Other names: c.1050C>G (NM_031418.2); c.1233C>G, p.Ser411Arg (NM_001313726.2); c.612C>G, p.Ser204Arg (NM_001313727.2); short protein forms S350R, S411R, S204R.
Identifiers: ClinVar variation 2714680 (VCV002714680.6), dbSNP rs199547127, ClinGen allele CA5925779.

ClinVar aggregate classification (germline): Conflicting classifications of pathogenicity. Review status: criteria provided, conflicting classifications (1 of 4 stars). 3 submissions from 3 submitters: Uncertain significance (2); Likely benign (1). Last evaluated 2026-04-01.

Conditions:
Inborn genetic diseases. Identifiers: MedGen C0950123, MeSH D030342.
Dystonic disorder. Also called: Dystonia. Identifiers: MedGen C0013421, MONDO:0003441, HP:0001332.

Allele frequency attached by ClinVar (database versions not stated): ExAC 0.00003; gnomAD 0.00003; TOPMed 0.00005; ESP Exome Variant Server 0.00008.
gnomAD v4.1: 143 of 1,610,934 alleles (0.0089%); highest among the groups gnomAD compares: Non-Finnish European, 0.012%; no homozygotes.

Submissions (3):

CeGaT Center for Human Genetics Tuebingen
Classification: Likely benign. Last evaluated: 2026-04-01. Review status: criteria provided, single submitter. Criteria: CeGaT Center For Human Genetics Tuebingen Variant Classification Criteria Version 2. Collection method: clinical testing. Allele origin: germline. Affected: yes. Observed: 1 variant allele.
Comment: ANO3: BP4

Ambry Genetics
Classification: Uncertain significance for Inborn genetic diseases. Last evaluated: 2024-03-18. Review status: criteria provided, single submitter. Criteria: Ambry Variant Classification Scheme 2023. Collection method: clinical testing. Allele origin: germline.

Labcorp Genetics (formerly Invitae), Labcorp
Classification: Uncertain significance for Dystonic disorder. Last evaluated: 2023-03-08. Review status: criteria provided, single submitter. Criteria: Invitae Variant Classification Sherloc (09022015). Collection method: clinical testing. Allele origin: germline.
Comment: Advanced modeling of protein sequence and biophysical properties (such as structural, functional, and spatial information, amino acid conservation, physicochemical variation, residue mobility, and thermodynamic stability) performed at Invitae indicates that this missense variant is not expected to disrupt ANO3 protein function. This variant has not been reported in the literature in individuals affected with ANO3-related conditions. This variant is present in population databases (rs199547127, gnomAD 0.009%). This sequence change replaces serine, which is neutral and polar, with arginine, which is basic and polar, at codon 350 of the ANO3 protein (p.Ser350Arg). In summary, the available evidence is currently insufficient to determine the role of this variant in disease. Therefore, it has been classified as a Variant of Uncertain Significance.